The following is an entry in ClinVar:

ClinVar aggregate classification (germline): Likely benign (0 of 4 stars; one submission).

Conditions:
HBA1-related disorder. Also called: HBA1-related condition.

Submission:

PreventionGenetics, part of Exact Sciences
Classification: Likely benign for HBA1-related condition. Last evaluated: 2024-09-10. Review status: no assertion criteria provided. Collection method: clinical testing. Allele origin: germline.
Comment: This variant is classified as likely benign based on ACMG/AMP sequence variant interpretation guidelines (Richards et al. 2015 PMID: 25741868, with internal and published modifications).

NM_000558.5(HBA1):c.351G>A (p.Glu117=)

Genes: HBA1 (hemoglobin subunit alpha 1; plus strand), LOC106804613 (hemoglobin subunit alpha 1 recombination region; plus strand). Cytogenetic location: 16p13.3.
Variant type: single nucleotide variant.
Coding change: c.351G>A on transcript NM_000558.5 (MANE Select); coding-DNA position 351, G replaced by A.
Protein change: p.Glu117=; no amino-acid change (glutamic acid 117 retained).
Molecular consequence: synonymous variant.
Genome position (GRCh38, 1-based): chr16:177,333, G>A. VCF-style: chr16-177333-G-A. GRCh37 (hg19) VCF-style: chr16-227332-G-A.
Identifiers: ClinVar variation 3344963 (VCV003344963.1).
Genomic context (GRCh38, chr16:177,333, plus strand): 5'-CTCTGCACAGCTCCTAAGCCACTGCCTGCTGGTGACCCTGGCCGCCCACCTCCCCGCCGA[G>A]TTCACCCCTGCGGTGCACGCCTCCCTGGACAAGTTCCTGGCTTCTGTGAGCACCGTGCTG-3'
Protein context (NP_000549.1, residues 107-127): LVTLAAHLPA[Glu117=]FTPAVHASLD